The following is an entry in ClinVar:

NM_007194.4(CHEK2):c.976C>T (p.Leu326Phe)

Gene: CHEK2 (checkpoint kinase 2; minus strand). Cytogenetic location: 22q12.1.
Variant type: single nucleotide variant.
Coding change: c.976C>T on transcript NM_007194.4 (MANE Select); coding-DNA position 976, C replaced by T.
Protein change: p.Leu326Phe; replaces leucine 326 with phenylalanine.
Molecular consequence: missense variant.
Genome position (GRCh38, 1-based): chr22:28,699,870, G>A on the plus strand (C>T on the coding strand, the complement: CHEK2 is on the minus strand). VCF-style: chr22-28699870-G-A. GRCh37 (hg19) VCF-style: chr22-29095858-G-A.
Other names: c.1105C>T, p.Leu369Phe (NM_001005735.3); c.313C>T, p.Leu105Phe (NM_001257387.3); c.775C>T, p.Leu259Phe (NM_001349956.3); c.976C>T, p.Leu326Phe (NM_145862.3); short protein forms L105F, L326F, L259F, L369F.
Identifiers: ClinVar variation 1768135 (VCV001768135.8), dbSNP rs2052760821, ClinGen allele CA411099634.

ClinVar aggregate classification (germline): Uncertain significance. Review status: criteria provided, multiple submitters, no conflicts (2 of 4 stars). 2 submissions from 2 submitters: Uncertain significance (2). Last evaluated 2025-01-02.

Conditions:
Hereditary cancer-predisposing syndrome. Also called: Hereditary Cancer Syndrome; Hereditary neoplastic syndrome; Neoplastic Syndromes, Hereditary; Tumor predisposition. Identifiers: Orphanet 140162, MedGen C0027672, MeSH D009386, MONDO:0015356.
Familial cancer of breast. Also called: BREAST CANCER, FAMILIAL; hereditary breast carcinoma; Hereditary breast cancer. Identifiers: Orphanet 227535, MedGen C0346153, MONDO:0016419, OMIM 114480. Disease mechanism: loss of function.

Allele frequency attached by ClinVar (database versions not stated): TOPMed below 0.00001.

Submissions (2):

Labcorp Genetics (formerly Invitae), Labcorp
Classification: Uncertain significance for Familial cancer of breast. Last evaluated: 2025-01-02. Review status: criteria provided, single submitter. Criteria: Invitae Variant Classification Sherloc (09022015). Collection method: clinical testing. Allele origin: germline.
Comment: This sequence change replaces leucine, which is neutral and non-polar, with phenylalanine, which is neutral and non-polar, at codon 326 of the CHEK2 protein (p.Leu326Phe). This variant is not present in population databases (gnomAD no frequency). This variant has not been reported in the literature in individuals affected with CHEK2-related conditions. ClinVar contains an entry for this variant (Variation ID: 1768135). An algorithm developed to predict the effect of missense changes on protein structure and function (PolyPhen-2) suggests that this variant is likely to be tolerated. In summary, the available evidence is currently insufficient to determine the role of this variant in disease. Therefore, it has been classified as a Variant of Uncertain Significance.

Ambry Genetics
Classification: Uncertain significance for Hereditary cancer-predisposing syndrome. Last evaluated: 2024-11-15. Review status: criteria provided, single submitter. Criteria: Ambry Variant Classification Scheme 2023. Collection method: clinical testing. Allele origin: germline.
Comment: The p.L326F variant (also known as c.976C>T), located in coding exon 8 of the CHEK2 gene, results from a C to T substitution at nucleotide position 976. The leucine at codon 326 is replaced by phenylalanine, an amino acid with highly similar properties. This amino acid position is highly conserved in available vertebrate species. In addition, the in silico prediction for this alteration is inconclusive. Based on the available evidence, the clinical significance of this variant remains unclear.